The following is an entry in ClinVar:

ClinVar aggregate classification (germline): Conflicting classifications of pathogenicity. Review status: criteria provided, conflicting classifications (1 of 4 stars). 3 submissions from 3 submitters: Uncertain significance (1); Benign (1). 1 of the submissions does not count toward it. Last evaluated 2022-05-04.

Conditions:
TBX22-related disorder. Also called: TBX22-related condition.

Allele frequency attached by ClinVar (database versions not stated): ESP Exome Variant Server 0.00009; ExAC 0.00010; gnomAD 0.00012 and 0.00013; gnomAD exomes 0.00012 and 0.00016; TOPMed 0.00012.
gnomAD v4.1: 184 of 1,210,056 alleles (0.015%); highest among the groups gnomAD compares: Middle Eastern, 0.14%; no homozygotes.

Submissions (3):

Mendelics
Classification: Uncertain significance. Last evaluated: 2022-05-04. Review status: criteria provided, single submitter. Criteria: Mendelics Assertion Criteria 2019. Collection method: clinical testing. Allele origin: germline.

Labcorp Genetics (formerly Invitae), Labcorp
Classification: Benign. Last evaluated: 2019-12-31. Review status: criteria provided, single submitter. Criteria: Invitae Variant Classification Sherloc (09022015). Collection method: clinical testing. Allele origin: germline.

PreventionGenetics, part of Exact Sciences
Classification: Likely benign for TBX22-related condition. Last evaluated: 2019-07-11. Review status: no assertion criteria provided. Collection method: clinical testing. Allele origin: germline. Not counted in ClinVar's aggregate classification.
Comment: This variant is classified as likely benign based on ACMG/AMP sequence variant interpretation guidelines (Richards et al. 2015 PMID: 25741868, with internal and published modifications).

NM_001109878.2(TBX22):c.780G>A (p.Thr260=)

Gene: TBX22 (T-box transcription factor 22). Cytogenetic location: Xq21.1.
Variant type: single nucleotide variant.
Coding change: c.780G>A on transcript NM_001109878.2 (MANE Select); coding-DNA position 780, G replaced by A.
Protein change: p.Thr260=; no amino-acid change (threonine 260 retained).
Molecular consequence: synonymous variant.
Genome position (GRCh38, 1-based): chrX:80,026,850, G>A. VCF-style: chrX-80026850-G-A. GRCh37 (hg19) VCF-style: chrX-79282349-G-A.
Other names: c.420G>A, p.Thr140= (NM_001109879.2, NM_001303475.1); c.780G>A, p.Thr260= (NM_016954.2).
Identifiers: ClinVar variation 753761 (VCV000753761.7), dbSNP rs373817537, ClinGen allele CA10461295.
Genomic context (GRCh38, chrX:80,026,850, plus strand): 5'-CTTGCCCACTGAAGGTGTTAAAACATTCTCCTTTAAAGAAACTGAGTTCACCACAGTAAC[G>A]GCTTACCAAAACCAACAGGTAAACTTGGTCATGTCTCAGGCGAATGGAAATGGCTCCAGA-3'
Protein context (NP_001103348.1, residues 250-270): SFKETEFTTV[Thr260=]AYQNQQITKL